The following is an entry in ClinVar:

ClinVar aggregate classification (germline): Uncertain significance (1 of 4 stars; one submission).

Submissions (2):

GeneDx
Classification: Uncertain significance. Last evaluated: 2025-07-31. Review status: criteria provided, single submitter. Criteria: GeneDx Variant Classification Process June 2021. Collection method: clinical testing. Allele origin: germline. Affected: yes.
Comment: Not observed at significant frequency in large population cohorts (gnomAD); In silico analysis supports that this missense variant has a deleterious effect on protein structure/function; Has not been previously published as pathogenic or benign to our knowledge

Dr. Peter K. Rogan Lab, Western University
No classification provided (evidence only). Condition: Thyroid cancer, nonmedullary, 1. Review status: no classification provided. Collection method: in vitro. Allele origin: not applicable. Functional consequence: retained intron. Not counted in ClinVar's aggregate classification.

NM_005334.3(HCFC1):c.551T>A (p.Val184Glu)

Gene: HCFC1 (host cell factor C1; minus strand). Cytogenetic location: Xq28.
Variant type: single nucleotide variant.
Coding change: c.551T>A on transcript NM_005334.3 (MANE Select); coding-DNA position 551, T replaced by A.
Protein change: p.Val184Glu; replaces valine 184 with glutamic acid.
Molecular consequence: missense variant.
Genome position (GRCh38, 1-based): chrX:153,963,386, A>T on the plus strand (T>A on the coding strand, the complement: HCFC1 is on the minus strand). VCF-style: chrX-153963386-A-T. GRCh37 (hg19) VCF-style: chrX-153228837-A-T.
Other names: NC_000023.10:g.153228837A>T; c.551T>A, p.Val184Glu (NM_001410705.1, NM_001440843.1, NM_001440844.1 and 7 more transcripts); c.551T>A (NM_005334.2); short protein forms V184E.
Identifiers: ClinVar variation 4477999 (VCV004477999.2).
Genomic context (GRCh38, chrX:153,963,386, plus strand): 5'-GTATGTGACTCCCGGGGTGGTGGTAGGACCCCGTAAGTGATGGGAATGTCCCAGGCTACC[A>T]CTCCAGAGCCTGGCCGTAATTCCAGGATATATAAGTCATTCAGGTACCTGACGAGGAAAG-3'
Protein context (NP_005325.2, residues 174-194): YILELRPGSG[Val184Glu]VAWDIPITYG